The following is an entry in ClinVar:

NM_001039591.3(USP9X):c.6547del (p.Phe2182_Val2183insTer)

Gene: USP9X (ubiquitin specific peptidase 9 X-linked; plus strand). Cytogenetic location: Xp11.4.
Variant type: Deletion.
Coding change: c.6547del on transcript NM_001039591.3 (MANE Select); coding-DNA position 6547, one base deleted (G; older notation c.6547delG).
Protein change: p.Phe2182_Val2183insTer.
Molecular consequence: nonsense.
Genome position (GRCh38, 1-based): chrX:41,219,213, G deleted. VCF-style (leftmost placement, unchanged base first): chrX-41219212-TG-T. GRCh37 (hg19) VCF-style: chrX-41078465-TG-T.
Other names: NM_001039590.3:c.6547del; c.6547del, p.Phe2182_Val2183insTer (NM_001039590.3); c.6562del, p.Phe2187_Val2188insTer (NM_001410748.1, NM_001410749.1).
Identifiers: ClinVar variation 2500934 (VCV002500934.1), dbSNP rs2519382563, ClinGen allele CA2579984161.

ClinVar aggregate classification (germline): Pathogenic (1 of 4 stars; one submission).

Conditions:
Intellectual developmental disorder, X-linked 99, syndromic, female-restricted. Also called: Intellectual disability, X-linked 99, syndromic, female-restricted. Identifiers: MedGen C4225416, MONDO:0010502, OMIM 300968.

Submission:

Broad Center for Mendelian Genomics, Broad Institute of MIT and Harvard
Classification: Pathogenic for Intellectual developmental disorder, X-linked 99, syndromic, female-restricted. Last evaluated: 2023-05-02. Review status: criteria provided, single submitter. Criteria: ACMG Guidelines, 2015. Collection method: curation. Allele origin: germline. Inheritance: X-linked inheritance.
Comment: Trio exome analysis showed this variant to be de novo. The p.V2183*fs*1 variant in USP9X has not been previously reported in individuals with female-restricted X-linked syndromic intellectual developmental disorder 99. This variant was absent from large population studies. This variant is predicted to cause a frameshift, which alters the protein‚Äôs amino acid sequence beginning at position 2183 and leads to a premature termination codon 1 amino acids downstream. This alteration is then predicted to lead to a truncated or absent protein. Heterozygous loss of function of the USP9X gene is female-restricted X-linked syndromic intellectual developmental disorder 99. In summary, this variant meets criteria to be classified as pathogenic for female-restricted X-linked syndromic intellectual developmental disorder 99. ACMG/AMP Criteria applied: PVS1, PS2_Moderate, PM2_Supporting (Richards 2015).